The following is an entry in ClinVar:

ClinVar aggregate classification (germline): Uncertain significance (1 of 4 stars; one submission).

Conditions:
Muscular dystrophy-dystroglycanopathy (congenital with brain and eye anomalies), type a, 8 (MDDGA8). Also called: WALKER-WARBURG SYNDROME OR MUSCLE-EYE-BRAIN DISEASE, GTDC2-RELATED. Identifiers: Orphanet 899, MedGen C3553813, MONDO:0013904, OMIM 614830.

Allele frequency attached by ClinVar (database versions not stated): gnomAD 0.00002; ExAC 0.00003; gnomAD exomes 0.00003; TOPMed 0.00004.

Submission:

Labcorp Genetics (formerly Invitae), Labcorp
Classification: Uncertain significance for Muscular dystrophy-dystroglycanopathy (congenital with brain and eye anomalies), type a, 8. Last evaluated: 2021-09-18. Review status: criteria provided, single submitter. Criteria: Invitae Variant Classification Sherloc (09022015). Collection method: clinical testing. Allele origin: germline.
Comment: This sequence change replaces methionine with isoleucine at codon 143 of the POMGNT2 protein (p.Met143Ile). The methionine residue is highly conserved and there is a small physicochemical difference between methionine and isoleucine. This variant is present in population databases (rs770987277, ExAC 0.006%). This variant has not been reported in the literature in individuals affected with POMGNT2-related conditions. Algorithms developed to predict the effect of missense changes on protein structure and function (SIFT, PolyPhen-2, Align-GVGD) all suggest that this variant is likely to be tolerated. In summary, the available evidence is currently insufficient to determine the role of this variant in disease. Therefore, it has been classified as a Variant of Uncertain Significance.

NM_032806.6(POMGNT2):c.429G>T (p.Met143Ile)

Gene: POMGNT2 (protein O-linked mannose N-acetylglucosaminyltransferase 2 (beta 1,4-); minus strand). Cytogenetic location: 3p22.1.
Variant type: single nucleotide variant.
Coding change: c.429G>T on transcript NM_032806.6 (MANE Select); coding-DNA position 429, G replaced by T.
Protein change: p.Met143Ile; replaces methionine 143 with isoleucine.
Molecular consequence: missense variant.
Genome position (GRCh38, 1-based): chr3:43,081,003, C>A on the plus strand (G>T on the coding strand, the complement: POMGNT2 is on the minus strand). VCF-style: chr3-43081003-C-A. GRCh37 (hg19) VCF-style: chr3-43122495-C-A.
Other names: short protein forms M143I.
Identifiers: ClinVar variation 958316 (VCV000958316.4), dbSNP rs770987277, ClinGen allele CA2340084.